The following is an entry in ClinVar:

NM_002769.5(PRSS1):c.362C>T (p.Ala121Val)

Genes: PRSS1 (serine protease 1; plus strand), TRB (T cell receptor beta locus; plus strand). Cytogenetic location: 7q34.
Variant type: single nucleotide variant.
Coding change: c.362C>T on transcript NM_002769.5 (MANE Select); coding-DNA position 362, C replaced by T.
Protein change: p.Ala121Val; replaces alanine 121 with valine.
Molecular consequence: missense variant.
Genome position (GRCh38, 1-based): chr7:142,751,935, C>T. VCF-style: chr7-142751935-C-T. GRCh37 (hg19) VCF-style: chr7-142459786-C-T.
Other names: short protein forms A121V.
Identifiers: ClinVar variation 1359920 (VCV001359920.11), dbSNP rs1798773882, ClinGen allele CA369608944.

ClinVar aggregate classification (germline): Uncertain significance. Review status: criteria provided, multiple submitters, no conflicts (2 of 4 stars). 2 submissions from 2 submitters: Uncertain significance (2). Last evaluated 2025-11-15.

Conditions:
Hereditary pancreatitis (PCTT). Also called: PRSS1-Related Hereditary Pancreatitis; Hereditary chronic pancreatitis. Identifiers: Orphanet 676, MedGen C0238339, MONDO:0008185, OMIM 167800.

Allele frequency attached by ClinVar (database versions not stated): gnomAD exomes below 0.00001.

Submissions (2):

Ambry Genetics
Classification: Uncertain significance for Hereditary pancreatitis. Last evaluated: 2025-11-15. Review status: criteria provided, single submitter. Criteria: Ambry Variant Classification Scheme 2023. Collection method: clinical testing. Allele origin: germline.
Comment: The p.A121V variant (also known as c.362C>T), located in coding exon 3 of the PRSS1 gene, results from a C to T substitution at nucleotide position 362. The alanine at codon 121 is replaced by valine, an amino acid with similar properties. This amino acid position is poorly conserved in available vertebrate species. In addition, the in silico prediction for this alteration is inconclusive. Since supporting evidence is limited at this time, the clinical significance of this alteration remains unclear.

Labcorp Genetics (formerly Invitae), Labcorp
Classification: Uncertain significance for Hereditary pancreatitis. Last evaluated: 2021-03-08. Review status: criteria provided, single submitter. Criteria: Invitae Variant Classification Sherloc (09022015). Collection method: clinical testing. Allele origin: germline.
Comment: In summary, the available evidence is currently insufficient to determine the role of this variant in disease. Therefore, it has been classified as a Variant of Uncertain Significance. Algorithms developed to predict the effect of missense changes on protein structure and function (SIFT, PolyPhen-2, Align-GVGD) all suggest that this variant is likely to be tolerated, but these predictions have not been confirmed by published functional studies and their clinical significance is uncertain. This variant has not been reported in the literature in individuals with PRSS1-related conditions. This variant is not present in population databases (ExAC no frequency). This sequence change replaces alanine with valine at codon 121 of the PRSS1 protein (p.Ala121Val). The alanine residue is weakly conserved and there is a small physicochemical difference between alanine and valine.